The following is an entry in ClinVar:

ClinVar aggregate classification (germline): Uncertain significance. Review status: criteria provided, multiple submitters, no conflicts (2 of 4 stars). 2 submissions from 2 submitters: Uncertain significance (2). Last evaluated 2025-08-05.

Conditions:
Neurofibromatosis, type 1 (NF1). Also called: NEUROFIBROMATOSIS, TYPE I, SOMATIC; Peripheral type neurofibromatosis; VON RECKLINGHAUSEN DISEASE; Neurofibromatosis, type I. Identifiers: Orphanet 636, MedGen C0027831, MONDO:0018975, OMIM 162200. Disease mechanism: loss of function.
Hereditary cancer-predisposing syndrome. Also called: Hereditary neoplastic syndrome; Neoplastic Syndromes, Hereditary; Tumor predisposition; Hereditary Cancer Syndrome. Identifiers: Orphanet 140162, MedGen C0027672, MeSH D009386, MONDO:0015356.
Cardiovascular phenotype. Identifiers: MedGen CN230736.

Submissions (2):

Ambry Genetics
Classification: Uncertain significance for Cardiovascular phenotype; Hereditary cancer-predisposing syndrome. Last evaluated: 2025-08-05. Review status: criteria provided, single submitter. Criteria: Ambry Variant Classification Scheme 2023. Collection method: clinical testing. Allele origin: germline.
Comment: The c.1834_1836delCTT variant (also known as p.L612del) is located in coding exon 16 of the NF1 gene. This variant results from an in-frame CTT deletion at nucleotide positions 1834 to 1836. This results in the in-frame deletion of a leucine at codon 612. This amino acid position is highly conserved in available vertebrate species. In addition, the in silico prediction for this variant is inconclusive (Choi Y et al. PLoS ONE. 2012; 7(10):e46688). Based on the available evidence, the clinical significance of this variant remains unclear.

Labcorp Genetics (formerly Invitae), Labcorp
Classification: Uncertain significance for Neurofibromatosis, type 1. Last evaluated: 2021-07-01. Review status: criteria provided, single submitter. Criteria: Invitae Variant Classification Sherloc (09022015). Collection method: clinical testing. Allele origin: germline.
Comment: In summary, the available evidence is currently insufficient to determine the role of this variant in disease. Therefore, it has been classified as a Variant of Uncertain Significance. Experimental studies and prediction algorithms are not available for this variant, and the functional significance of the deleted amino acid is currently unknown. This variant has not been reported in the literature in individuals with NF1-related disease. This variant is not present in population databases (ExAC no frequency). This variant, c.1834_1836delCTT, results in the deletion of 1 amino acid of the NF1 protein (p.Leu612del), but otherwise preserves the integrity of the reading frame.

NM_001042492.3(NF1):c.1831CTT[1] (p.Leu612del)

Gene: NF1 (neurofibromin 1; plus strand). Cytogenetic location: 17q11.2.
Variant type: Microsatellite.
Coding change: c.1831CTT[1] on transcript NM_001042492.3 (MANE Select); one copy of the 3-base unit CTT starting at c.1831; the reference has two copies in a row; one copy, 3 bases deleted.
Protein change: p.Leu612del; deletes leucine 612.
Molecular consequence: inframe deletion. On other transcripts: inframe indel (1).
Genome position (GRCh38, 1-based): chr17:31,223,556-31,223,558, CTT deleted; deleting any 3 consecutive bases within chr17:31,223,551-31,223,558 gives the same sequence; the position shown is the placement nearest the transcript's 3' end. VCF-style (leftmost placement, unchanged base first): chr17-31223550-TTTC-T. GRCh37 (hg19) VCF-style: chr17-29550568-TTTC-T.
Other names: c.1834_1836delCTT (NM_000267.3); c.1831_1833CTT[1], p.Leu612del (NM_000267.4); short protein forms L612del.
Identifiers: ClinVar variation 1004725 (VCV001004725.6), dbSNP rs2066964109, ClinGen allele CA982971405.